The following is an entry in ClinVar:

NM_031372.4(HNRNPDL):c.124C>T (p.Leu42Phe)

Gene: HNRNPDL (heterogeneous nuclear ribonucleoprotein D like; minus strand). Cytogenetic location: 4q21.22.
Variant type: single nucleotide variant.
Coding change: c.124C>T on transcript NM_031372.4 (MANE Select); coding-DNA position 124, C replaced by T.
Protein change: p.Leu42Phe; replaces leucine 42 with phenylalanine.
Molecular consequence: missense variant. On other transcripts: non-coding transcript variant (1).
Genome position (GRCh38, 1-based): chr4:82,429,567, G>A on the plus strand (C>T on the coding strand, the complement: HNRNPDL is on the minus strand). VCF-style: chr4-82429567-G-A. GRCh37 (hg19) VCF-style: chr4-83350720-G-A.
Other names: c.124C>T, p.Leu42Phe (NM_001207000.1); short protein forms L42F.
Identifiers: ClinVar variation 769288 (VCV000769288.35), dbSNP rs200018272, ClinGen allele CA2985139.
Genomic context (GRCh38, chr4:82,429,567, plus strand): 5'-TGACGTGGCGCTGGGCCCGGCGCGCCCCCTGCCGGGCGGAGCTGGGAGCGAGCGAAGGGA[G>A]GAGCGGGGCTAGCTGCCGCGGCGGCCGCGGCCGCCAATGGGAGAGGCTGCGGGAGGCTAA-3'
Protein context (NP_112740.1, residues 32-52): PRPPRQLAPL[Leu42Phe]PSLAPSSARQ

ClinVar aggregate classification (germline): Benign/Likely benign. Review status: criteria provided, multiple submitters, no conflicts (2 of 4 stars). 3 submissions from 3 submitters: Benign (1); Likely benign (2). Last evaluated 2025-09-01.

Conditions:
Autosomal dominant limb-girdle muscular dystrophy type 1G (LGMDD3). Also called: MUSCULAR DYSTROPHY, LIMB-GIRDLE, AUTOSOMAL DOMINANT 3; Limb-girdle muscular dystrophy, type 1G. Identifiers: Orphanet 55596, MedGen C1836765, MONDO:0012193, OMIM 609115.

Allele frequency attached by ClinVar (database versions not stated): 1000 Genomes Project 0.00080; 1000 Genomes Project 30x 0.00125; gnomAD exomes 0.00402 and 0.00543; TOPMed 0.00403; gnomAD 0.00426 and 0.00441; ExAC 0.00493.
gnomAD v4.1: 7,544 of 1,422,348 alleles (0.53%); highest among the groups gnomAD compares: Non-Finnish European, 0.58%; 25 homozygotes.

Submissions (3):

CeGaT Center for Human Genetics Tuebingen
Classification: Likely benign. Last evaluated: 2025-09-01. Review status: criteria provided, single submitter. Criteria: CeGaT Center For Human Genetics Tuebingen Variant Classification Criteria Version 2. Collection method: clinical testing. Allele origin: germline. Affected: yes. Observed: 7 variant alleles.
Comment: HNRNPDL: BS2

Labcorp Genetics (formerly Invitae), Labcorp
Classification: Benign for Autosomal dominant limb-girdle muscular dystrophy type 1G. Last evaluated: 2025-07-21. Review status: criteria provided, single submitter. Criteria: Invitae Variant Classification Sherloc (09022015). Collection method: clinical testing. Allele origin: germline.

Blueprint Genetics
Classification: Likely benign. Last evaluated: 2024-11-25. Review status: criteria provided, single submitter. Criteria: ACMG Guidelines, 2015. Collection method: clinical testing. Allele origin: germline.